The following is an entry in ClinVar:

ClinVar aggregate classification (germline): Likely benign. Review status: criteria provided, multiple submitters, no conflicts (2 of 4 stars). 3 submissions from 3 submitters: Likely benign (3). Last evaluated 2025-07-17.

Conditions:
Charcot-Marie-Tooth disease type 4. Also called: Charcot-Marie-Tooth disease, type IV; Charcot-Marie-Tooth, Type 4. Identifiers: Orphanet 64749, MedGen C4082197, MONDO:0018995.
PRX-related disorder. Also called: PRX-related condition; PRX-Related Disorders.

Allele frequency attached by ClinVar (database versions not stated): gnomAD exomes 0.00005 and 0.00010; ExAC 0.00013; 1000 Genomes Project 30x 0.00016; 1000 Genomes Project 0.00020; ESP Exome Variant Server 0.00031; TOPMed 0.00031; gnomAD 0.00034.
gnomAD v4.1: 132 of 1,610,806 alleles (0.0082%); highest among the groups gnomAD compares: African/African-American, 0.15%; no homozygotes.

Submissions (3):

ARUP Laboratories, Molecular Genetics and Genomics, ARUP Laboratories
Classification: Likely benign. Last evaluated: 2025-07-17. Review status: criteria provided, single submitter. Criteria: ARUP Molecular Germline Variant Investigation Process 2024. Collection method: clinical testing. Allele origin: germline.

PreventionGenetics, part of Exact Sciences
Classification: Likely benign for PRX-related condition. Last evaluated: 2025-07-16. Review status: criteria provided, single submitter. Criteria: ACMG Guidelines, 2015. Collection method: clinical testing. Allele origin: germline.
Comment: This variant is classified as likely benign based on ACMG/AMP sequence variant interpretation guidelines (Richards et al. 2015 PMID: 25741868, with internal and published modifications).

Labcorp Genetics (formerly Invitae), Labcorp
Classification: Likely benign for Charcot-Marie-Tooth disease type 4. Last evaluated: 2025-04-01. Review status: criteria provided, single submitter. Criteria: Invitae Variant Classification Sherloc (09022015). Collection method: clinical testing. Allele origin: germline.

NM_181882.3(PRX):c.3324G>A (p.Glu1108=)

Gene: PRX (periaxin; minus strand). Cytogenetic location: 19q13.2.
Variant type: single nucleotide variant.
Coding change: c.3324G>A on transcript NM_181882.3 (MANE Select); coding-DNA position 3324, G replaced by A.
Protein change: p.Glu1108=; no amino-acid change (glutamic acid 1108 retained).
Molecular consequence: synonymous variant. On other transcripts: 3 prime UTR variant (1).
Genome position (GRCh38, 1-based): chr19:40,395,028, C>T on the plus strand (G>A on the coding strand, the complement: PRX is on the minus strand). VCF-style: chr19-40395028-C-T. GRCh37 (hg19) VCF-style: chr19-40900935-C-T.
Other names: c.*3529G>A (NM_020956.2); c.3324G>A (NM_181882.2).
Identifiers: ClinVar variation 1096581 (VCV001096581.11), dbSNP rs111964746, ClinGen allele CA9443879.